The following is an entry in ClinVar:

ClinVar aggregate classification (germline): Pathogenic/Likely pathogenic. Review status: criteria provided, multiple submitters, no conflicts (2 of 4 stars). 4 submissions from 4 submitters: Pathogenic (2); Likely pathogenic (2). Last evaluated 2025-07-02.

Conditions:
Methylmalonic aciduria due to complete methylmalonyl-CoA mutase deficiency.
Methylmalonic acidemia (MMA). Also called: Isolated Methylmalonic Acidemia. Identifiers: MedGen C0268583, MeSH C537358, MONDO:0002012, HP:0002912.

Allele frequency attached by ClinVar (database versions not stated): gnomAD exomes below 0.00001 and 0.00002; gnomAD 0.00001; TOPMed 0.00002.
gnomAD v4.1: 30 of 1,613,920 alleles (0.0019%); highest among the groups gnomAD compares: Non-Finnish European, 0.0025%; no homozygotes.

Submissions (4):

Natera, Inc.
Classification: Likely pathogenic for Methylmalonic aciduria due to complete methylmalonyl-CoA mutase deficiency. Last evaluated: 2025-07-02. Review status: criteria provided, single submitter. Criteria: Natera Variant Classification Schema (03/2026). Collection method: clinical testing. Allele origin: germline.
Comment: The c.1276G>A variant in MMUT is a missense variant predicted to cause substitution of glycine to arginine at amino acid 426. This variant is rare in the general population with a frequency below the threshold expected for the associated phenotype(s). This variant has been observed in one or more individuals affected with the associated recessive disease, as either homozygous or compound heterozygous with a second variant (PMID: 16281286, 27167370). Functional studies show that this variant may disrupt protein function (PMID: 25125334). Computational prediction algorithms indicate this variant is likely to affect gene or protein function. Given the available evidence, this variant is classified as Likely Pathogenic.

Women's Health and Genetics/Laboratory Corporation of America, LabCorp
Classification: Pathogenic for Methylmalonic acidemia. Last evaluated: 2023-06-05. Review status: criteria provided, single submitter. Criteria: LabCorp Variant Classification Summary - May 2015. Collection method: clinical testing. Allele origin: germline.
Comment: Variant summary: MUT c.1276G>A (p.Gly426Arg) results in a non-conservative amino acid change located in the Methylmalonyl-CoA mutase, alpha chain, catalytic domain (IPR006098) of the encoded protein sequence. Five of five in-silico tools predict a damaging effect of the variant on protein function. The variant allele was found at a frequency of 4e-06 in 251312 control chromosomes (gnomAD). c.1276G>A has been reported in the literature in individuals affected with Methylmalonic Acidemia (examples: Worgan_2006 and Forny_2016). At least one publication reports experimental evidence that this variant reduces normal activity of the protein (example: Worgan_2006). A different variant at this codon (c.1277G>A; p.Gly426Glu) has been reported in the homozygous state in an individual with methylmalonic aciduria (Forny_2016) and is classified pathogenic in ClinVar (ID 222932). The following publications have been ascertained in the context of this evaluation (PMID: 16281286, 27167370, 25125334). Two clinical diagnostic laboratories have submitted clinical-significance assessments for this variant to ClinVar after 2014 and classified the variant as pathogenic/likely pathogenic. Based on the evidence outlined above, the variant was classified as pathogenic.

Labcorp Genetics (formerly Invitae), Labcorp
Classification: Pathogenic. Last evaluated: 2023-02-14. Review status: criteria provided, single submitter. Criteria: Invitae Variant Classification Sherloc (09022015). Collection method: clinical testing. Allele origin: germline.
Comment: This sequence change replaces glycine, which is neutral and non-polar, with arginine, which is basic and polar, at codon 426 of the MUT protein (p.Gly426Arg). This variant is present in population databases (rs769922244, gnomAD 0.0009%). This missense change has been observed in individual(s) with methylmalonic aciduria (PMID: 16281286, 27167370). ClinVar contains an entry for this variant (Variation ID: 993879). Advanced modeling of protein sequence and biophysical properties (such as structural, functional, and spatial information, amino acid conservation, physicochemical variation, residue mobility, and thermodynamic stability) performed at Invitae indicates that this missense variant is expected to disrupt MUT protein function. Experimental studies have shown that this missense change affects MUT function (PMID: 25125334). This variant disrupts the p.Gly426 amino acid residue in MUT. Other variant(s) that disrupt this residue have been determined to be pathogenic (PMID: 27167370). This suggests that this residue is clinically significant, and that variants that disrupt this residue are likely to be disease-causing. For these reasons, this variant has been classified as Pathogenic.

ARUP Laboratories, Molecular Genetics and Genomics, ARUP Laboratories
Classification: Likely pathogenic. Last evaluated: 2020-01-09. Review status: criteria provided, single submitter. Criteria: ARUP Molecular Germline Variant Investigation Process. Collection method: clinical testing. Allele origin: germline.
Comment: The MMUT c.1276G>A; p.Gly426Arg variant (rs769922244) is reported in the literature in at least one individual affected with methylmalonic aciduria (Worgan 2006). This variant is only observed on one allele in the Genome Aggregation Database, indicating it is not a common polymorphism. The glycine at codon 426 is highly conserved, and computational analyses (SIFT, PolyPhen-2) predict that this variant is deleterious. In vitro functional analyses demonstrate destabilization of the protein and reduced activity (Forny 2014, Worgan 2006). Additionally, another variant at this codon (c.1277G>A; p.Gly426Glu) has been reported in the homozygous state in an individual with methylmalonic aciduria (Forny 2016). Based on available information, this variant is considered to be likely pathogenic. References: Forny P et al. Functional characterization and categorization of missense mutations that cause methylmalonyl-CoA mutase (MUT) deficiency. Hum Mutat. 2014 Dec;35(12):1449-58. Forny P et al. Molecular Genetic Characterization of 151 Mut-Type Methylmalonic Aciduria Patients and Identification of 41 Novel Mutations in MUT. Hum Mutat. 2016 Aug;37(8):745-54. Worgan LC et al. Spectrum of mutations in mut methylmalonic acidemia and identification of a common Hispanic mutation and haplotype. Hum Mutat. 2006 Jan;27(1):31-43.

Literature cited by the submitters: PubMed 16281286 (cited by 3 submitters); PubMed 27167370 (cited by 3 submitters); PubMed 25125334 (cited by 3 submitters).

NM_000255.4(MMUT):c.1276G>A (p.Gly426Arg)

Gene: MMUT (methylmalonyl-CoA mutase; minus strand). Cytogenetic location: 6p12.3.
Variant type: single nucleotide variant.
Coding change: c.1276G>A on transcript NM_000255.4 (MANE Select); coding-DNA position 1276, G replaced by A.
Protein change: p.Gly426Arg; replaces glycine 426 with arginine.
Molecular consequence: missense variant.
Genome position (GRCh38, 1-based): chr6:49,451,522, C>T on the plus strand (G>A on the coding strand, the complement: MMUT is on the minus strand). VCF-style: chr6-49451522-C-T. GRCh37 (hg19) VCF-style: chr6-49419235-C-T.
Other names: c.1276G>A (NM_000255.3); short protein forms G426R.
Identifiers: ClinVar variation 993879 (VCV000993879.18), dbSNP rs769922244, ClinGen allele CA138796335.